The following is an entry in ClinVar:

NM_001261826.3(AP3D1):c.2185G>A (p.Glu729Lys)

Gene: AP3D1 (adaptor related protein complex 3 subunit delta 1; minus strand). Cytogenetic location: 19p13.3.
Variant type: single nucleotide variant.
Coding change: c.2185G>A on transcript NM_001261826.3 (MANE Select); coding-DNA position 2185, G replaced by A.
Protein change: p.Glu729Lys; replaces glutamic acid 729 with lysine.
Molecular consequence: missense variant.
Genome position (GRCh38, 1-based): chr19:2,115,383, C>T on the plus strand (G>A on the coding strand, the complement: AP3D1 is on the minus strand). VCF-style: chr19-2115383-C-T. GRCh37 (hg19) VCF-style: chr19-2115382-C-T.
Other names: c.2185G>A, p.Glu729Lys (NM_001374799.1, NM_003938.8); short protein forms E729K.
Identifiers: ClinVar variation 3631460 (VCV003631460.2).
Genomic context (GRCh38, chr19:2,115,383, plus strand): 5'-TCTCCTTCCTCTTTTTCCTCCTCTTGTCCTTCTCCAGCTTCTGCCGGTGCCGCCGCTCCT[C>T]CTCCAGCTTCACATACTGATCTGACATAGGCAGCCCTGCGGGCCGGCAGCGGGCAGCCAC-3'
Protein context (NP_001248755.1, residues 719-739): PMSDQYVKLE[Glu729Lys]ERRHRQKLEK

ClinVar aggregate classification (germline): Uncertain significance (1 of 4 stars; one submission).

Submission:

Labcorp Genetics (formerly Invitae), Labcorp
Classification: Uncertain significance. Last evaluated: 2025-01-26. Review status: criteria provided, single submitter. Criteria: Invitae Variant Classification Sherloc (09022015). Collection method: clinical testing. Allele origin: germline.
Comment: This sequence change replaces glutamic acid, which is acidic and polar, with lysine, which is basic and polar, at codon 729 of the AP3D1 protein (p.Glu729Lys). This variant is not present in population databases (gnomAD no frequency). This variant has not been reported in the literature in individuals affected with AP3D1-related conditions. An algorithm developed to predict the effect of missense changes on protein structure and function (PolyPhen-2) suggests that this variant is likely to be tolerated. In summary, the available evidence is currently insufficient to determine the role of this variant in disease. Therefore, it has been classified as a Variant of Uncertain Significance.